The following is an entry in ClinVar:

NM_001014342.3(FLG2):c.4740T>C (p.Thr1580=)

Genes: CCDST (cervical cancer associated DHX9 suppressive transcript; plus strand), FLG2 (filaggrin 2; minus strand). Cytogenetic location: 1q21.3.
Variant type: single nucleotide variant.
Coding change: c.4740T>C on transcript NM_001014342.3 (MANE Select); coding-DNA position 4740, T replaced by C.
Protein change: p.Thr1580=; no amino-acid change (threonine 1580 retained).
Molecular consequence: synonymous variant.
Genome position (GRCh38, 1-based): chr1:152,353,046, A>G on the plus strand (T>C on the coding strand, the complement: FLG2 is on the minus strand). VCF-style: chr1-152353046-A-G. GRCh37 (hg19) VCF-style: chr1-152325522-A-G.
Identifiers: ClinVar variation 4083665 (VCV004083665.8).
Genomic context (GRCh38, chr1:152,353,046, plus strand): 5'-GCCGTAAGTGTGTTCTCGTGAGTGTGGTCTGTGTGAGCCCCCTGAGTGCACTTCACTGTC[A>G]GTGGACTCACTGTGGCTAGTTCTCTGTCTTCCAGTTGTCCTGGACCCTGTCTGTGTGGTT-3'
Protein context (NP_001014364.1, residues 1570-1590): GRQRTSHSES[Thr1580=]DSEVHSGGSH

ClinVar aggregate classification (germline): Likely benign (1 of 4 stars; one submission).

Submission:

CeGaT Center for Human Genetics Tuebingen
Classification: Likely benign. Last evaluated: 2025-06-01. Review status: criteria provided, single submitter. Criteria: CeGaT Center For Human Genetics Tuebingen Variant Classification Criteria Version 2. Collection method: clinical testing. Allele origin: germline. Affected: yes. Observed: 1 variant allele.
Comment: FLG2: BP4, BP7